The following is an entry in ClinVar:

ClinVar aggregate classification (germline): Benign. Review status: criteria provided, multiple submitters, no conflicts (2 of 4 stars). 3 submissions from 3 submitters: Benign (2). 1 of the submissions does not count toward it. Last evaluated 2026-01-19.

Conditions:
WDR36-related disorder. Also called: WDR36-related condition.

Allele frequency attached by ClinVar (database versions not stated): 1000 Genomes Project 30x 0.00328; 1000 Genomes Project 0.00339; gnomAD 0.00833 and 0.00959; TOPMed 0.00989; gnomAD exomes 0.00992 and 0.01287; ESP Exome Variant Server 0.01023; ExAC 0.01025.
gnomAD v4.1: 20,080 of 1,613,494 alleles (1.2%); highest among the groups gnomAD compares: Non-Finnish European, 1.5%; 188 homozygotes.

Submissions (21):

Labcorp Genetics (formerly Invitae), Labcorp
Classification: Benign. Last evaluated: 2026-01-19. Review status: criteria provided, single submitter. Criteria: Invitae Variant Classification Sherloc (09022015). Collection method: clinical testing. Allele origin: germline.

CeGaT Center for Human Genetics Tuebingen
Classification: Benign. Last evaluated: 2025-01-01. Review status: criteria provided, single submitter. Criteria: CeGaT Center For Human Genetics Tuebingen Variant Classification Criteria Version 2. Collection method: clinical testing. Allele origin: germline. Affected: yes. Observed: 1 variant allele.
Comment: WDR36: BP4, BP7, BS1, BS2

PreventionGenetics, part of Exact Sciences
Classification: Benign for WDR36-related condition. Last evaluated: 2019-07-15. Review status: no assertion criteria provided. Collection method: clinical testing. Allele origin: germline. Not counted in ClinVar's aggregate classification.
Comment: This variant is classified as benign based on ACMG/AMP sequence variant interpretation guidelines (Richards et al. 2015 PMID: 25741868, with internal and published modifications).

Dr. Peter K. Rogan Lab, Western University
No classification provided (evidence only). Condition: Clear cell carcinoma of kidney. Review status: no classification provided. Collection method: in vitro. Allele origin: not applicable. Functional consequence: retained intron. Not counted in ClinVar's aggregate classification.

Dr. Peter K. Rogan Lab, Western University
No classification provided (evidence only). Condition: Melanoma. Review status: no classification provided. Collection method: in vitro. Allele origin: not applicable. Functional consequence: retained intron. Not counted in ClinVar's aggregate classification.

Dr. Peter K. Rogan Lab, Western University
No classification provided (evidence only). Condition: Acute myeloid leukemia. Review status: no classification provided. Collection method: in vitro. Allele origin: not applicable. Functional consequence: retained intron. Not counted in ClinVar's aggregate classification.

Dr. Peter K. Rogan Lab, Western University
No classification provided (evidence only). Condition: Acute myeloid leukemia. Review status: no classification provided. Collection method: in vitro. Allele origin: not applicable. Functional consequence: retained intron. Not counted in ClinVar's aggregate classification.

Dr. Peter K. Rogan Lab, Western University
No classification provided (evidence only). Condition: Colon adenocarcinoma. Review status: no classification provided. Collection method: in vitro. Allele origin: not applicable. Functional consequence: retained intron. Not counted in ClinVar's aggregate classification.

Dr. Peter K. Rogan Lab, Western University
No classification provided (evidence only). Condition: Thyroid cancer, nonmedullary, 1. Review status: no classification provided. Collection method: in vitro. Allele origin: not applicable. Functional consequence: retained intron. Not counted in ClinVar's aggregate classification.

Dr. Peter K. Rogan Lab, Western University
No classification provided (evidence only). Condition: Sarcoma. Review status: no classification provided. Collection method: in vitro. Allele origin: not applicable. Functional consequence: retained intron. Not counted in ClinVar's aggregate classification.

Dr. Peter K. Rogan Lab, Western University
No classification provided (evidence only). Condition: Sarcoma. Review status: no classification provided. Collection method: in vitro. Allele origin: not applicable. Functional consequence: retained intron. Not counted in ClinVar's aggregate classification.

Dr. Peter K. Rogan Lab, Western University
No classification provided (evidence only). Condition: Sarcoma. Review status: no classification provided. Collection method: in vitro. Allele origin: not applicable. Functional consequence: retained intron. Not counted in ClinVar's aggregate classification.

Dr. Peter K. Rogan Lab, Western University
No classification provided (evidence only). Condition: Gastric cancer. Review status: no classification provided. Collection method: in vitro. Allele origin: not applicable. Functional consequence: retained intron. Not counted in ClinVar's aggregate classification.

Dr. Peter K. Rogan Lab, Western University
No classification provided (evidence only). Condition: Gastric cancer. Review status: no classification provided. Collection method: in vitro. Allele origin: not applicable. Functional consequence: retained intron. Not counted in ClinVar's aggregate classification.

Dr. Peter K. Rogan Lab, Western University
No classification provided (evidence only). Condition: Gastric cancer. Review status: no classification provided. Collection method: in vitro. Allele origin: not applicable. Functional consequence: retained intron. Not counted in ClinVar's aggregate classification.

Dr. Peter K. Rogan Lab, Western University
No classification provided (evidence only). Condition: Gastric cancer. Review status: no classification provided. Collection method: in vitro. Allele origin: not applicable. Functional consequence: retained intron. Not counted in ClinVar's aggregate classification.

Dr. Peter K. Rogan Lab, Western University
No classification provided (evidence only). Condition: Gastric cancer. Review status: no classification provided. Collection method: in vitro. Allele origin: not applicable. Functional consequence: retained intron. Not counted in ClinVar's aggregate classification.

Dr. Peter K. Rogan Lab, Western University
No classification provided (evidence only). Condition: Gastric cancer. Review status: no classification provided. Collection method: in vitro. Allele origin: not applicable. Functional consequence: retained intron. Not counted in ClinVar's aggregate classification.

Dr. Peter K. Rogan Lab, Western University
No classification provided (evidence only). Condition: Gastric cancer. Review status: no classification provided. Collection method: in vitro. Allele origin: not applicable. Functional consequence: retained intron. Not counted in ClinVar's aggregate classification.

Dr. Peter K. Rogan Lab, Western University
No classification provided (evidence only). Condition: Malignant tumor of esophagus. Review status: no classification provided. Collection method: in vitro. Allele origin: not applicable. Functional consequence: retained intron. Not counted in ClinVar's aggregate classification.

Dr. Peter K. Rogan Lab, Western University
No classification provided (evidence only). Condition: Malignant tumor of esophagus. Review status: no classification provided. Collection method: in vitro. Allele origin: not applicable. Functional consequence: retained intron. Not counted in ClinVar's aggregate classification.

NM_139281.3(WDR36):c.234C>T (p.Gly78=)

Gene: WDR36 (WD repeat domain 36; plus strand). Cytogenetic location: 5q22.1.
Variant type: single nucleotide variant.
Coding change: c.234C>T on transcript NM_139281.3 (MANE Select); coding-DNA position 234, C replaced by T.
Protein change: p.Gly78=; no amino-acid change (glycine 78 retained).
Molecular consequence: synonymous variant.
Genome position (GRCh38, 1-based): chr5:111,097,122, C>T. VCF-style: chr5-111097122-C-T. GRCh37 (hg19) VCF-style: chr5-110432820-C-T.
Identifiers: ClinVar variation 1571445 (VCV001571445.24), dbSNP rs148990528, ClinGen allele CA3365218.